The following is an entry in ClinVar:

NM_006059.4(LAMC3):c.4271G>A (p.Arg1424His)

Gene: LAMC3 (laminin subunit gamma 3; plus strand). Cytogenetic location: 9q34.12.
Variant type: single nucleotide variant.
Coding change: c.4271G>A on transcript NM_006059.4 (MANE Select); coding-DNA position 4271, G replaced by A.
Protein change: p.Arg1424His; replaces arginine 1424 with histidine.
Molecular consequence: missense variant.
Genome position (GRCh38, 1-based): chr9:131,087,516, G>A. VCF-style: chr9-131087516-G-A. GRCh37 (hg19) VCF-style: chr9-133962903-G-A.
Other names: short protein forms R1424H.
Identifiers: ClinVar variation 515785 (VCV000515785.21), dbSNP rs34724991, ClinGen allele CA5288114.

ClinVar aggregate classification (germline): Likely benign. Review status: criteria provided, multiple submitters, no conflicts (2 of 4 stars). 4 submissions from 4 submitters: Likely benign (4). Last evaluated 2025-12-11.

Allele frequency attached by ClinVar (database versions not stated): gnomAD exomes 0.00012; ExAC 0.00034; 1000 Genomes Project 0.00080; 1000 Genomes Project 30x 0.00109; TOPMed 0.00125; ESP Exome Variant Server 0.00131.
gnomAD v4.1: 341 of 1,613,804 alleles (0.021%); highest among the groups gnomAD compares: African/African-American, 0.41%; 1 homozygote.

Submissions (4):

Labcorp Genetics (formerly Invitae), Labcorp
Classification: Likely benign. Last evaluated: 2025-12-11. Review status: criteria provided, single submitter. Criteria: Invitae Variant Classification Sherloc (09022015). Collection method: clinical testing. Allele origin: germline.

CeGaT Center for Human Genetics Tuebingen
Classification: Likely benign. Last evaluated: 2025-03-01. Review status: criteria provided, single submitter. Criteria: CeGaT Center For Human Genetics Tuebingen Variant Classification Criteria Version 2. Collection method: clinical testing. Allele origin: germline. Affected: yes. Observed: 1 variant allele.
Comment: LAMC3: BP4

Genetic Services Laboratory, University of Chicago
Classification: Likely benign. Last evaluated: 2020-09-16. Review status: criteria provided, single submitter. Criteria: ACMG Guidelines, 2015. Collection method: clinical testing. Allele origin: germline. Affected: no.

GeneDx
Classification: Likely benign. Last evaluated: 2019-05-22. Review status: criteria provided, single submitter. Criteria: GeneDx Variant Classification Process June 2021. Collection method: clinical testing. Allele origin: germline. Affected: yes.